The following is an entry in ClinVar:

NM_001963.6(EGF):c.2424G>C (p.Lys808Asn)

Gene: EGF (epidermal growth factor; plus strand). Cytogenetic location: 4q25.
Variant type: single nucleotide variant.
Coding change: c.2424G>C on transcript NM_001963.6 (MANE Select); coding-DNA position 2424, G replaced by C.
Protein change: p.Lys808Asn; replaces lysine 808 with asparagine.
Molecular consequence: missense variant.
Genome position (GRCh38, 1-based): chr4:109,983,474, G>C. VCF-style: chr4-109983474-G-C. GRCh37 (hg19) VCF-style: chr4-110904630-G-C.
Other names: c.2424G>C, p.Lys808Asn (NM_001178130.3); c.2298G>C, p.Lys766Asn (NM_001178131.3, NM_001357021.2); short protein forms K766N, K808N.
Identifiers: ClinVar variation 1929816 (VCV001929816.5), dbSNP rs759537571, ClinGen allele CA3043967.
Genomic context (GRCh38, chr4:109,983,474, plus strand): 5'-TTCAATAGGTGGTGAAGTTGATCTAAAGAACCAAGTAACACCATTGGACATCTTGTCCAA[G>C]ACTAGAGTGTCAGAAGATAACATTACAGAATCTCAACACATGCTAGTGGCTGAAATCATG-3'
Protein context (NP_001954.2, residues 798-818): NQVTPLDILS[Lys808Asn]TRVSEDNITE

ClinVar aggregate classification (germline): Uncertain significance (1 of 4 stars; one submission).

Allele frequency attached by ClinVar (database versions not stated): gnomAD exomes below 0.00001; ExAC 0.00001.
gnomAD v4.1: 1 of 1,613,702 alleles (0.000062%); highest among the groups gnomAD compares: Admixed American, 0.0017%; no homozygotes.

Submission:

Labcorp Genetics (formerly Invitae), Labcorp
Classification: Uncertain significance. Last evaluated: 2025-05-05. Review status: criteria provided, single submitter. Criteria: Invitae Variant Classification Sherloc (09022015). Collection method: clinical testing. Allele origin: germline.
Comment: This sequence change replaces lysine, which is basic and polar, with asparagine, which is neutral and polar, at codon 808 of the EGF protein (p.Lys808Asn). This variant is present in population databases (rs759537571, gnomAD 0.003%). This variant has not been reported in the literature in individuals affected with EGF-related conditions. ClinVar contains an entry for this variant (Variation ID: 1929816). An algorithm developed to predict the effect of missense changes on protein structure and function (PolyPhen-2) suggests that this variant is likely to be tolerated. In summary, the available evidence is currently insufficient to determine the role of this variant in disease. Therefore, it has been classified as a Variant of Uncertain Significance.